The following is an entry in ClinVar:

ClinVar aggregate classification (germline): Likely benign (1 of 4 stars; one submission).

gnomAD v4.1: 49 of 1,209,682 alleles (0.0041%); highest among the groups gnomAD compares: Admixed American, 0.043%; no homozygotes.

Submission:

CeGaT Center for Human Genetics Tuebingen
Classification: Likely benign. Last evaluated: 2022-09-01. Review status: criteria provided, single submitter. Criteria: CeGaT Center For Human Genetics Tuebingen Variant Classification Criteria Version 2. Collection method: clinical testing. Allele origin: germline. Affected: yes. Observed: 1 variant allele.
Comment: PLXNB3: BP4, BP7

NM_005393.3(PLXNB3):c.1179C>T (p.Leu393=)

Gene: PLXNB3 (plexin B3; plus strand). Cytogenetic location: Xq28.
Variant type: single nucleotide variant.
Coding change: c.1179C>T on transcript NM_005393.3 (MANE Select); coding-DNA position 1179, C replaced by T.
Protein change: p.Leu393=; no amino-acid change (leucine 393 retained).
Molecular consequence: synonymous variant.
Genome position (GRCh38, 1-based): chrX:153,768,341, C>T. VCF-style: chrX-153768341-C-T. GRCh37 (hg19) VCF-style: chrX-153033796-C-T.
Other names: c.1248C>T, p.Leu416= (NM_001163257.2).
Identifiers: ClinVar variation 2661721 (VCV002661721.24), dbSNP rs147527982, ClinGen allele CA10550705.